The following is an entry in ClinVar:

ClinVar aggregate classification (germline): Likely benign. Review status: criteria provided, multiple submitters, no conflicts (2 of 4 stars). 3 submissions from 3 submitters: Likely benign (2). 1 of the submissions does not count toward it. Last evaluated 2024-12-01.

Conditions:
ASXL3-related disorder. Also called: ASXL3-related condition. Identifiers: MedGen CN381524.
Inborn genetic diseases. Identifiers: MedGen C0950123, MeSH D030342.

Allele frequency attached by ClinVar (database versions not stated): TOPMed 0.00009; gnomAD 0.00011; ExAC 0.00012; gnomAD exomes 0.00014; ESP Exome Variant Server 0.00024.
gnomAD v4.1: 216 of 1,613,958 alleles (0.013%); highest among the groups gnomAD compares: Non-Finnish European, 0.017%; no homozygotes.

Submissions (3):

CeGaT Center for Human Genetics Tuebingen
Classification: Likely benign. Last evaluated: 2024-12-01. Review status: criteria provided, single submitter. Criteria: CeGaT Center For Human Genetics Tuebingen Variant Classification Criteria Version 2. Collection method: clinical testing. Allele origin: germline. Affected: yes. Observed: 1 variant allele.
Comment: ASXL3: BP4, BS1

Ambry Genetics
Classification: Likely benign for Inborn genetic diseases. Last evaluated: 2021-08-13. Review status: criteria provided, single submitter. Criteria: Ambry Variant Classification Scheme 2023. Collection method: clinical testing. Allele origin: germline.

PreventionGenetics, part of Exact Sciences
Classification: Likely benign for ASXL3-related condition. Last evaluated: 2023-09-11. Review status: no assertion criteria provided. Collection method: clinical testing. Allele origin: germline. Not counted in ClinVar's aggregate classification.
Comment: This variant is classified as likely benign based on ACMG/AMP sequence variant interpretation guidelines (Richards et al. 2015 PMID: 25741868, with internal and published modifications).

NM_030632.3(ASXL3):c.6610A>G (p.Ser2204Gly)

Gene: ASXL3 (ASXL transcriptional regulator 3; plus strand). Cytogenetic location: 18q12.1.
Variant type: single nucleotide variant.
Coding change: c.6610A>G on transcript NM_030632.3 (MANE Select); coding-DNA position 6610, A replaced by G.
Protein change: p.Ser2204Gly; replaces serine 2204 with glycine.
Molecular consequence: missense variant.
Genome position (GRCh38, 1-based): chr18:33,746,458, A>G. VCF-style: chr18-33746458-A-G. GRCh37 (hg19) VCF-style: chr18-31326422-A-G.
Other names: c.6610A>G (NM_030632.1); short protein forms S2204G.
Identifiers: ClinVar variation 3038766 (VCV003038766.16), dbSNP rs377004557, ClinGen allele CA8934676.
Genomic context (GRCh38, chr18:33,746,458, plus strand): 5'-CCTGCCACAGGCTTGTCTGGTCAGAACGCTCAGATGCCCGTTCAGAACTTTGCCGACAGC[A>G]GCAATGCAGATGAATTGGAACTGAAATGCTCTTGCCGGCTGAAAGCCATGATTGTGTGCA-3'
Protein context (NP_085135.1, residues 2194-2214): QMPVQNFADS[Ser2204Gly]NADELELKCS